The following is an entry in ClinVar:

ClinVar aggregate classification (germline): Uncertain significance (1 of 4 stars; one submission).

Conditions:
Desmin-related myofibrillar myopathy (MFM1). Also called: Desminopathy; Desmin related myopathy (former name); Desmin storage myopathy (former name); Myofibrillar myopathy 1; MYOFIBRILLAR MYOPATHY WITH ARRHYTHMOGENIC RIGHT VENTRICULAR CARDIOMYOPATHY; DESMIN-RELATED MYOPATHY WITH ARRHYTHMOGENIC RIGHT VENTRICULAR CARDIOMYOPATHY. Identifiers: Orphanet 363543, Orphanet 98909, MedGen C1832370, MONDO:0011076, OMIM 601419.

Submission:

Labcorp Genetics (formerly Invitae), Labcorp
Classification: Uncertain significance for Desmin-related myofibrillar myopathy. Last evaluated: 2025-07-23. Review status: criteria provided, single submitter. Criteria: Invitae Variant Classification Sherloc (09022015). Collection method: clinical testing. Allele origin: germline.
Comment: This sequence change replaces serine, which is neutral and polar, with asparagine, which is neutral and polar, at codon 2 of the DES protein (p.Ser2Asn). This variant is not present in population databases (gnomAD no frequency). This variant has not been reported in the literature in individuals affected with DES-related conditions. Invitae Evidence Modeling of protein sequence and biophysical properties (such as structural, functional, and spatial information, amino acid conservation, physicochemical variation, residue mobility, and thermodynamic stability) has been performed for this missense variant. However, the output from this modeling did not meet the statistical confidence thresholds required to predict the impact of this variant on DES protein function. This variant disrupts the p.Ser2 amino acid residue in DES. Other variant(s) that disrupt this residue have been determined to be pathogenic (PMID: 14711882, 22153487, 25208129). This suggests that this residue is clinically significant, and that variants that disrupt this residue are likely to be disease-causing. In summary, the available evidence is currently insufficient to determine the role of this variant in disease. Therefore, it has been classified as a Variant of Uncertain Significance.

Literature cited by the submitters: PubMed 14711882; PubMed 22153487; PubMed 25208129.

NM_001927.4(DES):c.5G>A (p.Ser2Asn)

Gene: DES (desmin; plus strand). Cytogenetic location: 2q35.
Variant type: single nucleotide variant.
Coding change: c.5G>A on transcript NM_001927.4 (MANE Select); coding-DNA position 5, G replaced by A.
Protein change: p.Ser2Asn; replaces serine 2 with asparagine.
Molecular consequence: missense variant.
Genome position (GRCh38, 1-based): chr2:219,418,467, G>A. VCF-style: chr2-219418467-G-A. GRCh37 (hg19) VCF-style: chr2-220283189-G-A.
Other names: c.5G>A, p.Ser2Asn (NM_001382708.1, NM_001382709.1, NM_001382710.1 and 3 more transcripts); short protein forms S2N.
Identifiers: ClinVar variation 4789365 (VCV004789365.1).